The following is an entry in ClinVar:

ClinVar aggregate classification (germline): Uncertain significance (1 of 4 stars; one submission).

Allele frequency attached by ClinVar (database versions not stated): ESP Exome Variant Server 0.00008; gnomAD 0.00010 and 0.00011; 1000 Genomes Project 30x 0.00016; 1000 Genomes Project 0.00020; gnomAD exomes 0.00001 and 0.00002; ExAC 0.00002; TOPMed 0.00006.
gnomAD v4.1: 28 of 1,613,470 alleles (0.0017%); highest among the groups gnomAD compares: African/African-American, 0.037%; no homozygotes.

Submission:

Labcorp Genetics (formerly Invitae), Labcorp
Classification: Uncertain significance. Last evaluated: 2023-12-04. Review status: criteria provided, single submitter. Criteria: Invitae Variant Classification Sherloc (09022015). Collection method: clinical testing. Allele origin: germline.
Comment: This sequence change replaces methionine, which is neutral and non-polar, with threonine, which is neutral and polar, at codon 735 of the MERTK protein (p.Met735Thr). This variant is present in population databases (rs150046180, gnomAD 0.03%). This variant has not been reported in the literature in individuals affected with MERTK-related conditions. ClinVar contains an entry for this variant (Variation ID: 963416). Advanced modeling of protein sequence and biophysical properties (such as structural, functional, and spatial information, amino acid conservation, physicochemical variation, residue mobility, and thermodynamic stability) performed at Invitae indicates that this missense variant is expected to disrupt MERTK protein function with a positive predictive value of 80%. In summary, the available evidence is currently insufficient to determine the role of this variant in disease. Therefore, it has been classified as a Variant of Uncertain Significance.

NM_006343.3(MERTK):c.2204T>C (p.Met735Thr)

Gene: MERTK (MER proto-oncogene, tyrosine kinase; plus strand). Cytogenetic location: 2q13.
Variant type: single nucleotide variant.
Coding change: c.2204T>C on transcript NM_006343.3 (MANE Select); coding-DNA position 2204, T replaced by C.
Protein change: p.Met735Thr; replaces methionine 735 with threonine.
Molecular consequence: missense variant.
Genome position (GRCh38, 1-based): chr2:112,021,436, T>C. VCF-style: chr2-112021436-T-C. GRCh37 (hg19) VCF-style: chr2-112779013-T-C.
Other names: short protein forms M735T.
Identifiers: ClinVar variation 963416 (VCV000963416.6), dbSNP rs150046180, ClinGen allele CA1831774.